The following is an entry in ClinVar:

ClinVar aggregate classification (germline): Uncertain significance (1 of 4 stars; one submission).

Submission:

Labcorp Genetics (formerly Invitae), Labcorp
Classification: Uncertain significance. Last evaluated: 2025-03-23. Review status: criteria provided, single submitter. Criteria: Invitae Variant Classification Sherloc (09022015). Collection method: clinical testing. Allele origin: germline.
Comment: This sequence change creates a premature translational stop signal (p.Pro1984Glnfs*3) in the MYH14 gene. While this is not anticipated to result in nonsense mediated decay, it is expected to disrupt the last 12 amino acid(s) of the MYH14 protein. This variant is not present in population databases (gnomAD no frequency). This variant has not been reported in the literature in individuals affected with MYH14-related conditions. Experimental studies and prediction algorithms are not available or were not evaluated, and the functional significance of this variant is currently unknown. In summary, the available evidence is currently insufficient to determine the role of this variant in disease. Therefore, it has been classified as a Variant of Uncertain Significance.

NM_001145809.2(MYH14):c.6073_6074insAGACCTGAGGGGTCCCCAGAGCCTGAGGGGTCCCC (p.Pro2025delinsGlnThrTer)

Gene: MYH14 (myosin heavy chain 14; plus strand). Cytogenetic location: 19q13.33.
Variant type: Insertion.
Coding change: c.6073_6074insAGACCTGAGGGGTCCCCAGAGCCTGAGGGGTCCCC on transcript NM_001145809.2 (MANE Select); coding-DNA positions 6073 to 6074, AGACCTGAGGGGTCCCCAGAGCCTGAGGGGTCCCC inserted.
Protein change: p.Pro2025delinsGlnThrTer.
Molecular consequence: nonsense.
Genome position: GRCh38: chr19:50,309,752-50,309,753. GRCh37 (hg19): chr19:50,813,009-50,813,010.
Other names: c.5974_5975insAGACCTGAGGGGTCCCCAGAGCCTGAGGGGTCCCC, p.Pro1992delinsGlnThrTer (NM_001077186.2); c.5950_5951insAGACCTGAGGGGTCCCCAGAGCCTGAGGGGTCCCC, p.Pro1984delinsGlnThrTer (NM_024729.4).
Identifiers: ClinVar variation 4812002 (VCV004812002.1).